The following is an entry in ClinVar:

NM_000038.6(APC):c.3473_3474insGA (p.Pro1159fs)

Gene: APC (APC regulator of WNT signaling pathway; plus strand). Cytogenetic location: 5q22.2.
Variant type: Insertion.
Coding change: c.3473_3474insGA on transcript NM_000038.6 (MANE Select); coding-DNA positions 3473 to 3474, GA inserted.
Protein change: p.Pro1159fs; shifts the reading frame from proline 1159.
Molecular consequence: frameshift variant.
Genome position: GRCh38 VCF-style: chr5-112839067-G-GGA. GRCh37 (hg19) VCF-style: chr5-112174764-G-GGA.
Other names: c.3473_3474insGA, p.Pro1159fs (NM_001127510.3, NM_001354895.2); c.3419_3420insGA, p.Pro1141fs (NM_001127511.3); c.3527_3528insGA, p.Pro1177fs (NM_001354896.2); c.3503_3504insGA, p.Pro1169fs (NM_001354897.2); c.3398_3399insGA, p.Pro1134fs (NM_001354898.2); c.3389_3390insGA, p.Pro1131fs (NM_001354899.2); c.3350_3351insGA, p.Pro1118fs (NM_001354900.2); c.3296_3297insGA, p.Pro1100fs (NM_001354901.2); and 5 more; short protein forms P1068fs, P1100fs, P1118fs, P1131fs, P1058fs, P1169fs, P1177fs, P876fs.
Identifiers: ClinVar variation 181834 (VCV000181834.2), dbSNP rs730881272, ClinGen allele CA008444.

ClinVar aggregate classification (germline): Pathogenic (1 of 4 stars; one submission).

Submission:

GeneDx
Classification: Pathogenic. Last evaluated: 2014-04-07. Review status: criteria provided, single submitter. Criteria: GeneDx Variant Classification (06012015). Collection method: clinical testing. Allele origin: germline. Affected: yes.
Comment: This duplication of 2 nucleotides is denoted APC c.3473_3474insGA (aka c.3473_3473dupGA) at the cDNA level and p.Pro1159AspfsX7 (P1159DfsX7) at the protein level. The normal sequence, with the bases that are duplicated in brackets, is GAGA{GA}CCAA. The duplication causes a frameshift, which changes a Proline to an Aspartic Acid at codon 1159 in exon 16, and creates a premature stop codon at position 7 of the new reading frame. This mutation is predicted to cause loss of normal protein function through protein truncation. Although this variant has not been previously reported to our knowledge, it is considered pathogenic and is indicative of a Familial Adenomatous Polyposis (FAP)-associated condition, and could manifest as either classic FAP and attenuated FAP (AFAP), both autosomal dominant conditions characterized by the development of many polyps as well as colorectal and other cancers. Individuals with classic FAP may develop hundreds to thousands of adenomatous polyps by age 35 and are diagnosed with colon cancer by the average age of 39. The age-related risk for colon cancer in untreated individuals is 7% by age 21, 87% by age 45, and 93% by age 50 (Jasperson 2010). Individuals with AFAP develop an average of about 30 polyps and are typically diagnosed with colon cancer between ages 50 and 55. Attenuated FAP is distinguished from classic FAP primarily by the difference in polyp burden and age at presentation. Although some regions of the APC gene are more strongly associated with AFAP than others, clinical presentation is the most appropriate way to determine a family's genetic condition at this point. Both FAP and AFAP have extra-colonic features, though the risks are much lower than for colon polyps and cancer. Both conditions confer a 5% risk for duodenal or periampullary cancer, and a 1-2% risk for stomach, thyroid, pancreatic cancer, medulloblastoma and hepatoblastoma, with the latter two seen predominantly in FAP, not AFAP (Jasperson 2012). About 10-30% of individuals with FAP display desmoids tumors. Upper gastrointestinal tract polyps and fundic gland polyps are present in most cases of classic FAP and AFAP. Gardner syndrome is a variant of FAP in which colonic polyposis are observed along with osteomas, epidermoid cysts, fibromas, and/or desmoid tumors. Approximately 20-25% of APC mutations are de novo, rather than inherited.